The following is an entry in ClinVar:

NM_006030.4(CACNA2D2):c.1956_1960del (p.Asn652fs)

Gene: CACNA2D2 (calcium voltage-gated channel auxiliary subunit alpha2delta 2; minus strand). Cytogenetic location: 3p21.31.
Variant type: Deletion.
Coding change: c.1956_1960del on transcript NM_006030.4 (MANE Select); coding-DNA positions 1956 to 1960, 5 bases deleted (TCTCA; older notation c.1956_1960delTCTCA).
Protein change: p.Asn652fs; shifts the reading frame from asparagine 652.
Molecular consequence: frameshift variant.
Genome position (GRCh38, 1-based): chr3:50,374,761-50,374,765, TGAGA deleted on the plus strand (TCTCA on the coding strand, the reverse complement: CACNA2D2 is on the minus strand); deleting any 5 consecutive bases within chr3:50,374,761-50,374,766 gives the same sequence; the c. name uses the placement nearest the transcript's 3' end. VCF-style (leftmost placement, unchanged base first): chr3-50374760-CTGAGA-C. GRCh37 (hg19) VCF-style: chr3-50412191-CTGAGA-C.
Other names: c.1956_1960del, p.Asn652fs (NM_001005505.3, NM_001174051.3); c.1749_1753del, p.Asn583fs (NM_001291101.1); short protein forms N583fs, N652fs.
Identifiers: ClinVar variation 570589 (VCV000570589.6), dbSNP rs1559884460, ClinGen allele CA891843390.

ClinVar aggregate classification (germline): Pathogenic (1 of 4 stars; one submission).

Conditions:
Early-infantile DEE. Also called: Ohtahara syndrome; Early infantile epileptic encephalopathy; Early infantile epileptic encephalopathy with suppression bursts. Identifiers: Orphanet 1934, MedGen C0393706, MONDO:0800491.

Submission:

Labcorp Genetics (formerly Invitae), Labcorp
Classification: Pathogenic for Early-infantile DEE. Last evaluated: 2020-03-07. Review status: criteria provided, single submitter. Criteria: Invitae Variant Classification Sherloc (09022015). Collection method: clinical testing. Allele origin: germline.
Comment: For these reasons, this variant has been classified as Pathogenic. Loss-of-function variants in CACNA2D2 are known to be pathogenic (PMID: 24358150). This variant has not been reported in the literature in individuals with CACNA2D2-related conditions. ClinVar contains an entry for this variant (Variation ID: 570589). This variant is not present in population databases (ExAC no frequency). This sequence change creates a premature translational stop signal (p.Asn652Lysfs*2) in the CACNA2D2 gene. It is expected to result in an absent or disrupted protein product.

Literature cited by the submitters: PubMed 24358150.